The following is an entry in ClinVar:

NM_212481.3(ARID5A):c.581G>A (p.Gly194Glu)

Gene: ARID5A (AT-rich interaction domain 5A; plus strand). Cytogenetic location: 2q11.2.
Variant type: single nucleotide variant.
Coding change: c.581G>A on transcript NM_212481.3 (MANE Select); coding-DNA position 581, G replaced by A.
Protein change: p.Gly194Glu; replaces glycine 194 with glutamic acid.
Molecular consequence: missense variant.
Genome position (GRCh38, 1-based): chr2:96,551,109, G>A. VCF-style: chr2-96551109-G-A. GRCh37 (hg19) VCF-style: chr2-97216846-G-A.
Other names: c.743G>A, p.Gly248Glu (NM_001319085.2); c.740G>A, p.Gly247Glu (NM_001319087.2); c.377G>A, p.Gly126Glu (NM_001319092.1); c.89G>A, p.Gly30Glu (NM_001319093.2, NM_001319094.2, NM_001319096.2); short protein forms G126E, G194E, G247E, G248E, G30E.
Identifiers: ClinVar variation 3041614 (VCV003041614.2), dbSNP rs150396730, ClinGen allele CA1780695.

ClinVar aggregate classification (germline): Likely benign (0 of 4 stars; one submission).

Conditions:
ARID5A-related disorder. Also called: ARID5A-related condition.

Allele frequency attached by ClinVar (database versions not stated): 1000 Genomes Project 30x 0.00187; 1000 Genomes Project 0.00200; TOPMed 0.00385; gnomAD 0.00427; ExAC 0.00441; ESP Exome Variant Server 0.00507; gnomAD exomes 0.00618.
gnomAD v4.1: 9,572 of 1,611,098 alleles (0.59%); highest among the groups gnomAD compares: Non-Finnish European, 0.71%; 49 homozygotes.

Submission:

PreventionGenetics, part of Exact Sciences
Classification: Likely benign for ARID5A-related condition. Last evaluated: 2021-01-29. Review status: no assertion criteria provided. Collection method: clinical testing. Allele origin: germline.
Comment: This variant is classified as likely benign based on ACMG/AMP sequence variant interpretation guidelines (Richards et al. 2015 PMID: 25741868, with internal and published modifications).